The following is an entry in ClinVar:

ClinVar aggregate classification (germline): Uncertain significance (1 of 4 stars; one submission).

gnomAD v4.1: 4 of 1,613,888 alleles (0.00025%); highest among the groups gnomAD compares: African/African-American, 0.0053%; no homozygotes.

Submission:

Labcorp Genetics (formerly Invitae), Labcorp
Classification: Uncertain significance. Last evaluated: 2025-03-25. Review status: criteria provided, single submitter. Criteria: Invitae Variant Classification Sherloc (09022015). Collection method: clinical testing. Allele origin: germline.
Comment: This sequence change replaces serine, which is neutral and polar, with cysteine, which is neutral and slightly polar, at codon 698 of the SMARCA2 protein (p.Ser698Cys). This variant is not present in population databases (gnomAD no frequency). This variant has not been reported in the literature in individuals affected with SMARCA2-related conditions. Invitae Evidence Modeling of protein sequence and biophysical properties (such as structural, functional, and spatial information, amino acid conservation, physicochemical variation, residue mobility, and thermodynamic stability) indicates that this missense variant is not expected to disrupt SMARCA2 protein function with a negative predictive value of 80%. In summary, the available evidence is currently insufficient to determine the role of this variant in disease. Therefore, it has been classified as a Variant of Uncertain Significance.

NM_003070.5(SMARCA2):c.2093C>G (p.Ser698Cys)

Gene: SMARCA2 (SWI/SNF related BAF chromatin remodeling complex subunit ATPase 2; plus strand). Cytogenetic location: 9p24.3.
Variant type: single nucleotide variant.
Coding change: c.2093C>G on transcript NM_003070.5 (MANE Select); coding-DNA position 2093, C replaced by G.
Protein change: p.Ser698Cys; replaces serine 698 with cysteine.
Molecular consequence: missense variant.
Genome position (GRCh38, 1-based): chr9:2,077,685, C>G. VCF-style: chr9-2077685-C-G. GRCh37 (hg19) VCF-style: chr9-2077685-C-G.
Other names: c.2093C>G, p.Ser698Cys (NM_001289396.2, NM_001289397.2, NM_139045.4); short protein forms S698C.
Identifiers: ClinVar variation 4698408 (VCV004698408.1).